The following is an entry in ClinVar:

ClinVar aggregate classification (germline): Likely benign. Review status: criteria provided, single submitter (1 of 4 stars). 2 submissions from 2 submitters: Likely benign (1). 1 of the submissions does not count toward it. Last evaluated 2019-12-17.

Conditions:
RYR1-related disorder. Also called: RYR1-related condition; RYR1-related disorders. Identifiers: MedGen CN239331.

Submissions (2):

Labcorp Genetics (formerly Invitae), Labcorp
Classification: Likely benign for RYR1-related disorder. Last evaluated: 2019-12-17. Review status: criteria provided, single submitter. Criteria: Invitae Variant Classification Sherloc (09022015). Collection method: clinical testing. Allele origin: germline.

PreventionGenetics, part of Exact Sciences
Classification: Likely benign for RYR1-related condition. Last evaluated: 2024-02-07. Review status: no assertion criteria provided. Collection method: clinical testing. Allele origin: germline. Not counted in ClinVar's aggregate classification.
Comment: This variant is classified as likely benign based on ACMG/AMP sequence variant interpretation guidelines (Richards et al. 2015 PMID: 25741868, with internal and published modifications).

NM_000540.3(RYR1):c.9729C>A (p.Ile3243=)

Gene: RYR1 (ryanodine receptor 1; plus strand). Cytogenetic location: 19q13.2.
Variant type: single nucleotide variant.
Coding change: c.9729C>A on transcript NM_000540.3 (MANE Select); coding-DNA position 9729, C replaced by A.
Protein change: p.Ile3243=; no amino-acid change (isoleucine 3243 retained).
Molecular consequence: synonymous variant.
Genome position (GRCh38, 1-based): chr19:38,517,402, C>A. VCF-style: chr19-38517402-C-A. GRCh37 (hg19) VCF-style: chr19-39008042-C-A.
Other names: c.9729C>A, p.Ile3243= (NM_001042723.2); c.9729C>A (NM_000540.2).
Identifiers: ClinVar variation 1148389 (VCV001148389.11), dbSNP rs1971019877, ClinGen allele CA507247097.